The following is an entry in ClinVar:

ClinVar aggregate classification (germline): Uncertain significance (1 of 4 stars; one submission).

Allele frequency attached by ClinVar (database versions not stated): TOPMed 0.00002.

Submission:

CeGaT Center for Human Genetics Tuebingen
Classification: Uncertain significance. Last evaluated: 2023-03-01. Review status: criteria provided, single submitter. Criteria: CeGaT Center For Human Genetics Tuebingen Variant Classification Criteria Version 2. Collection method: clinical testing. Allele origin: germline. Affected: yes. Observed: 1 variant allele.
Comment: GNAS: PM2

NM_016592.5(GNAS):c.4G>A (p.Asp2Asn)

Genes: GNAS (GNAS complex locus; plus strand), GNAS-AS1 (GNAS antisense RNA 1; minus strand). Cytogenetic location: 20q13.32.
Variant type: single nucleotide variant.
Coding change: c.4G>A on transcript NM_016592.5 (MANE Plus Clinical); coding-DNA position 4, G replaced by A.
Protein change: p.Asp2Asn; replaces aspartic acid 2 with asparagine.
Molecular consequence: missense variant. On other transcripts: 5 prime UTR variant (1).
Genome position (GRCh38, 1-based): chr20:58,840,110, G>A. VCF-style: chr20-58840110-G-A. GRCh37 (hg19) VCF-style: chr20-57415165-G-A.
Other names: c.-734G>A (NM_001410912.1); short protein forms D2N.
Identifiers: ClinVar variation 2498888 (VCV002498888.25), dbSNP rs2085660624, ClinGen allele CA409450476.